The following is an entry in ClinVar:

ClinVar aggregate classification (germline): Uncertain significance (1 of 4 stars; one submission).

Conditions:
Progressive familial heart block type IB (PFHB1B). Identifiers: Orphanet 871, MedGen C1970298, MONDO:0011474, OMIM 604559.

Submission:

Labcorp Genetics (formerly Invitae), Labcorp
Classification: Uncertain significance for Progressive familial heart block type IB. Last evaluated: 2022-01-19. Review status: criteria provided, single submitter. Criteria: Invitae Variant Classification Sherloc (09022015). Collection method: clinical testing. Allele origin: germline.
Comment: In summary, the available evidence is currently insufficient to determine the role of this variant in disease. Therefore, it has been classified as a Variant of Uncertain Significance. Algorithms developed to predict the effect of missense changes on protein structure and function are either unavailable or do not agree on the potential impact of this missense change (SIFT: "Deleterious"; PolyPhen-2: "Benign"; Align-GVGD: "Class C0"). This variant has not been reported in the literature in individuals affected with TRPM4-related conditions. This variant is not present in population databases (gnomAD no frequency). This sequence change replaces lysine, which is basic and polar, with threonine, which is neutral and polar, at codon 358 of the TRPM4 protein (p.Lys358Thr).

NM_017636.4(TRPM4):c.1073A>C (p.Lys358Thr)

Gene: TRPM4 (transient receptor potential cation channel subfamily M member 4; plus strand). Cytogenetic location: 19q13.33.
Variant type: single nucleotide variant.
Coding change: c.1073A>C on transcript NM_017636.4 (MANE Select); coding-DNA position 1073, A replaced by C.
Protein change: p.Lys358Thr; replaces lysine 358 with threonine.
Molecular consequence: missense variant. On other transcripts: 5 prime UTR variant (1), intron variant (1).
Genome position (GRCh38, 1-based): chr19:49,172,031, A>C. VCF-style: chr19-49172031-A-C. GRCh37 (hg19) VCF-style: chr19-49675288-A-C.
Other names: c.1073A>C, p.Lys358Thr (NM_001195227.2); c.728A>C, p.Lys243Thr (NM_001321281.2); c.-481A>C (NM_001321282.2); c.551A>C, p.Lys184Thr (NM_001321283.2); c.201+262A>C (NM_001321285.2); short protein forms K184T, K243T, K358T.
Identifiers: ClinVar variation 2416964 (VCV002416964.6), dbSNP rs2514073644, ClinGen allele CA406795171.